The following is an entry in ClinVar:

ClinVar aggregate classification (germline): Uncertain significance. Review status: criteria provided, multiple submitters, no conflicts (2 of 4 stars). 2 submissions from 2 submitters: Uncertain significance (2). Last evaluated 2022-07-25.

Allele frequency attached by ClinVar (database versions not stated): TOPMed 0.00002; gnomAD exomes 0.00005 and 0.00011; ExAC 0.00009.
gnomAD v4.1: 77 of 1,610,196 alleles (0.0048%); highest among the groups gnomAD compares: South Asian, 0.038%; no homozygotes.

Submissions (2):

Labcorp Genetics (formerly Invitae), Labcorp
Classification: Uncertain significance. Last evaluated: 2022-07-25. Review status: criteria provided, single submitter. Criteria: Invitae Variant Classification Sherloc (09022015). Collection method: clinical testing. Allele origin: germline.
Comment: Experimental studies have shown that this missense change affects ATP4A function (PMID: 27491072). This sequence change replaces arginine, which is basic and polar, with cysteine, which is neutral and slightly polar, at codon 703 of the ATP4A protein (p.Arg703Cys). This variant is present in population databases (rs776225963, gnomAD 0.05%). This missense change has been observed in individual(s) with clinical features of ATP4A-related disorders (PMID: 25678551). It has also been observed to segregate with disease in related individuals. ClinVar contains an entry for this variant (Variation ID: 1686485). Algorithms developed to predict the effect of missense changes on protein structure and function are either unavailable or do not agree on the potential impact of this missense change (SIFT: "Deleterious"; PolyPhen-2: "Probably Damaging"; Align-GVGD: "Class C0"). In summary, the available evidence is currently insufficient to determine the role of this variant in disease. Therefore, it has been classified as a Variant of Uncertain Significance.

Mendelics
Classification: Uncertain significance. Last evaluated: 2022-05-04. Review status: criteria provided, single submitter. Criteria: Mendelics Assertion Criteria 2019. Collection method: clinical testing. Allele origin: germline.

Literature cited by the submitters: PubMed 27491072 (cited by Labcorp Genetics (formerly Invitae), Labcorp); PubMed 25678551 (cited by Labcorp Genetics (formerly Invitae), Labcorp).

NM_000704.3(ATP4A):c.2107C>T (p.Arg703Cys)

Gene: ATP4A (ATPase H+/K+ transporting subunit alpha; minus strand). Cytogenetic location: 19q13.12.
Variant type: single nucleotide variant.
Coding change: c.2107C>T on transcript NM_000704.3 (MANE Select); coding-DNA position 2107, C replaced by T.
Protein change: p.Arg703Cys; replaces arginine 703 with cysteine.
Molecular consequence: missense variant.
Genome position (GRCh38, 1-based): chr19:35,555,490, G>A on the plus strand (C>T on the coding strand, the complement: ATP4A is on the minus strand). VCF-style: chr19-35555490-G-A. GRCh37 (hg19) VCF-style: chr19-36046392-G-A.
Other names: short protein forms R703C.
Identifiers: ClinVar variation 1686485 (VCV001686485.6), dbSNP rs776225963, ClinGen allele CA9380878.